The following is an entry in ClinVar:

ClinVar aggregate classification (germline): Likely benign (0 of 4 stars; one submission).

Conditions:
EPPK1-related disorder. Also called: EPPK1-related condition.

Allele frequency attached by ClinVar (database versions not stated): gnomAD exomes 0.00002; ExAC 0.00012; ESP Exome Variant Server 0.00016; TOPMed 0.00024; gnomAD 0.00026.

Submission:

PreventionGenetics, part of Exact Sciences
Classification: Likely benign for EPPK1-related condition. Last evaluated: 2021-10-13. Review status: no assertion criteria provided. Collection method: clinical testing. Allele origin: germline.
Comment: This variant is classified as likely benign based on ACMG/AMP sequence variant interpretation guidelines (Richards et al. 2015 PMID: 25741868, with internal and published modifications).

NM_031308.4(EPPK1):c.3921C>T (p.Gly1307=)

Gene: EPPK1 (epiplakin 1; minus strand). Cytogenetic location: 8q24.3.
Variant type: single nucleotide variant.
Coding change: c.3921C>T on transcript NM_031308.4 (MANE Select); coding-DNA position 3921, C replaced by T.
Protein change: p.Gly1307=; no amino-acid change (glycine 1307 retained).
Molecular consequence: synonymous variant.
Genome position (GRCh38, 1-based): chr8:143,869,333, G>A on the plus strand (C>T on the coding strand, the complement: EPPK1 is on the minus strand). VCF-style: chr8-143869333-G-A. GRCh37 (hg19) VCF-style: chr8-144943501-G-A.
Identifiers: ClinVar variation 3045270 (VCV003045270.2), dbSNP rs375245070, ClinGen allele CA4922647.